The following is an entry in ClinVar:

ClinVar aggregate classification (germline): Uncertain significance (1 of 4 stars; one submission).

Submission:

Labcorp Genetics (formerly Invitae), Labcorp
Classification: Uncertain significance. Last evaluated: 2025-11-02. Review status: criteria provided, single submitter. Criteria: Invitae Variant Classification Sherloc (09022015). Collection method: clinical testing. Allele origin: germline.
Comment: This sequence change replaces threonine, which is neutral and polar, with isoleucine, which is neutral and non-polar, at codon 1099 of the KANK1 protein (p.Thr1099Ile). This variant is not present in population databases (gnomAD no frequency). This variant has not been reported in the literature in individuals affected with KANK1-related conditions. Invitae Evidence Modeling of protein sequence and biophysical properties (such as structural, functional, and spatial information, amino acid conservation, physicochemical variation, residue mobility, and thermodynamic stability) indicates that this missense variant is not expected to disrupt KANK1 protein function with a negative predictive value of 80%. In summary, the available evidence is currently insufficient to determine the role of this variant in disease. Therefore, it has been classified as a Variant of Uncertain Significance.

NM_015158.5(KANK1):c.3296C>T (p.Thr1099Ile)

Gene: KANK1 (KN motif and ankyrin repeat domains 1; plus strand). Cytogenetic location: 9p24.3.
Variant type: single nucleotide variant.
Coding change: c.3296C>T on transcript NM_015158.5 (MANE Select); coding-DNA position 3296, C replaced by T.
Protein change: p.Thr1099Ile; replaces threonine 1099 with isoleucine.
Molecular consequence: missense variant. On other transcripts: non-coding transcript variant (1).
Genome position (GRCh38, 1-based): chr9:734,798, C>T. VCF-style: chr9-734798-C-T. GRCh37 (hg19) VCF-style: chr9-734798-C-T.
Other names: c.3296C>T, p.Thr1099Ile (NM_001256876.3, NM_001256877.3, NM_001354334.2 and 1 more transcripts); c.3056C>T, p.Thr1019Ile (NM_001354331.2); c.3242C>T, p.Thr1081Ile (NM_001354332.2); c.2822C>T, p.Thr941Ile (NM_001354333.2, NM_001354335.2, NM_001354337.2 and 2 more transcripts); c.2528C>T, p.Thr843Ile (NM_001354336.2, NM_001438411.1); c.2768C>T, p.Thr923Ile (NM_001354338.2, NM_001354340.2, NM_001354344.2); c.2582C>T, p.Thr861Ile (NM_001354339.2, NM_001354342.2, NM_001354343.2); short protein forms T941I, T1019I, T843I, T923I, T1081I, T861I, T1099I.
Identifiers: ClinVar variation 4778145 (VCV004778145.1).